The following is an entry in ClinVar:

NM_198428.3(BBS9):c.531C>T (p.Gly177=)

Gene: BBS9 (Bardet-Biedl syndrome 9; plus strand). Cytogenetic location: 7p14.3.
Variant type: single nucleotide variant.
Coding change: c.531C>T on transcript NM_198428.3 (MANE Select); coding-DNA position 531, C replaced by T.
Protein change: p.Gly177=; no amino-acid change (glycine 177 retained).
Molecular consequence: synonymous variant. On other transcripts: non-coding transcript variant (3).
Genome position (GRCh38, 1-based): chr7:33,257,324, C>T. VCF-style: chr7-33257324-C-T. GRCh37 (hg19) VCF-style: chr7-33296936-C-T.
Other names: c.531C>T, p.Gly177= (NM_001033604.2, NM_001033605.2, NM_001348036.1 and 5 more transcripts); c.165C>T, p.Gly55= (NM_001348037.3, NM_001348044.3, NM_001348045.3 and 1 more transcripts); c.258C>T, p.Gly86= (NM_001348038.3, NM_001348039.3); c.396C>T, p.Gly132= (NM_001348042.3); c.531C>T (NM_198428.2).
Identifiers: ClinVar variation 1664359 (VCV001664359.11), dbSNP rs113518488, ClinGen allele CA156718349.

ClinVar aggregate classification (germline): Likely benign. Review status: criteria provided, multiple submitters, no conflicts (2 of 4 stars). 4 submissions from 4 submitters: Likely benign (4). Last evaluated 2026-02-05.

Conditions:
BBS9-related disorder. Also called: BBS9-related condition.
Bardet-Biedl syndrome (BBS). Identifiers: Orphanet 110, MedGen C0752166, MONDO:0015229.
Bardet-Biedl syndrome 9 (BBS9). Identifiers: Orphanet 110, MedGen C1859567, MONDO:0014437, OMIM 615986.

gnomAD v4.1: 6 of 1,613,716 alleles (0.00037%); highest among the groups gnomAD compares: African/African-American, 0.008%; no homozygotes.

Submissions (4):

PreventionGenetics, part of Exact Sciences
Classification: Likely benign for BBS9-related condition. Last evaluated: 2026-02-05. Review status: criteria provided, single submitter. Criteria: ACMG Guidelines, 2015. Collection method: clinical testing. Allele origin: germline.
Comment: This variant is classified as likely benign based on ACMG/AMP sequence variant interpretation guidelines (Richards et al. 2015 PMID: 25741868, with internal and published modifications).

Labcorp Genetics (formerly Invitae), Labcorp
Classification: Likely benign for Bardet-Biedl syndrome. Last evaluated: 2025-09-23. Review status: criteria provided, single submitter. Criteria: Invitae Variant Classification Sherloc (09022015). Collection method: clinical testing. Allele origin: germline.

Blueprint Genetics
Classification: Likely benign. Last evaluated: 2022-07-29. Review status: criteria provided, single submitter. Criteria: ACMG Guidelines, 2015. Collection method: clinical testing. Allele origin: germline.

Fulgent Genetics
Classification: Likely benign for Bardet-Biedl syndrome 9. Last evaluated: 2021-11-09. Review status: criteria provided, single submitter. Criteria: ACMG Guidelines, 2015. Collection method: clinical testing. Allele origin: unknown.